The following is an entry in ClinVar:

ClinVar aggregate classification (germline): Likely pathogenic (1 of 4 stars; one submission).

Submission:

Dasa
Classification: Likely pathogenic. Last evaluated: 2026-03-17. Review status: criteria provided, single submitter. Criteria: DASA Assertion Criteria. Collection method: clinical testing. Allele origin: germline.
Comment: NM_000059.4(BRCA2):c.4651dup (p.Gln1551Profs*4) is a frameshift variant in BRCA2 predicted to alter the reading frame and introduce a premature termination codon and is predicted to result in an absent or altered protein product. Loss of function is an established disease mechanism for BRCA2 (PMID: 16199546; PMID: 17063271; PMID: 25632310). Also, this variant is absent from population databases. Based on the currently available evidence, this variant is classified as likely pathogenic.

Literature cited by the submitters: PubMed 16199546; PubMed 17063271; PubMed 25632310.

NM_000059.4(BRCA2):c.4651dup (p.Gln1551fs)

Gene: BRCA2 (BRCA2 DNA repair associated; plus strand). Cytogenetic location: 13q13.1.
Variant type: Duplication.
Coding change: c.4651dup on transcript NM_000059.4 (MANE Select); coding-DNA position 4651, one base duplicated (C; older notation c.4651dupC).
Protein change: p.Gln1551fs; shifts the reading frame from glutamine 1551.
Molecular consequence: frameshift variant. On other transcripts: non-coding transcript variant (1), intron variant (2).
Genome position (GRCh38, 1-based): chr13:32,339,006, C duplicated. VCF-style (leftmost placement, unchanged base first): chr13-32339005-G-GC. GRCh37 (hg19) VCF-style: chr13-32913142-G-GC.
Other names: c.1910-5552dup (NM_001406721.1); c.425-5552dup (NM_001406722.1); c.4651dup, p.Gln1551fs (NM_001406719.1, NM_001406720.1, NM_001432077.1); short protein forms Q1551fs.
Identifiers: ClinVar variation 4886488 (VCV004886488.2).